The following is an entry in ClinVar:

ClinVar aggregate classification (germline): Uncertain significance (1 of 4 stars; one submission).

Conditions:
Welander distal myopathy (WDM). Also called: Gower's muscular dystrophy; MUSCULAR DYSTROPHY, DISTAL, LATE-ONSET, AUTOSOMAL DOMINANT; Welander distal myopathy, Swedish type; Distal myopathy, Swedish type. Identifiers: Orphanet 603, MedGen C0221054, MONDO:0011466, OMIM 604454.

Allele frequency attached by ClinVar (database versions not stated): gnomAD exomes below 0.00001; ExAC 0.00002; gnomAD 0.00004; TOPMed 0.00004; ESP Exome Variant Server 0.00008.
gnomAD v4.1: 11 of 1,605,796 alleles (0.00069%); highest among the groups gnomAD compares: African/African-American, 0.014%; no homozygotes.

Submission:

Labcorp Genetics (formerly Invitae), Labcorp
Classification: Uncertain significance for Welander distal myopathy. Last evaluated: 2024-06-09. Review status: criteria provided, single submitter. Criteria: Invitae Variant Classification Sherloc (09022015). Collection method: clinical testing. Allele origin: germline.
Comment: This sequence change replaces arginine, which is basic and polar, with histidine, which is basic and polar, at codon 101 of the TIA1 protein (p.Arg101His). This variant is present in population databases (rs371200431, gnomAD 0.02%). This variant has not been reported in the literature in individuals affected with TIA1-related conditions. An algorithm developed to predict the effect of missense changes on protein structure and function (PolyPhen-2) suggests that this variant is likely to be tolerated. In summary, the available evidence is currently insufficient to determine the role of this variant in disease. Therefore, it has been classified as a Variant of Uncertain Significance.

NM_022173.4(TIA1):c.302G>A (p.Arg101His)

Gene: TIA1 (TIA1 cytotoxic granule associated RNA binding protein; minus strand). Cytogenetic location: 2p13.3.
Variant type: single nucleotide variant.
Coding change: c.302G>A on transcript NM_022173.4 (MANE Select); coding-DNA position 302, G replaced by A.
Protein change: p.Arg101His; replaces arginine 101 with histidine.
Molecular consequence: missense variant. On other transcripts: 5 prime UTR variant (2), non-coding transcript variant (9), intron variant (10).
Genome position (GRCh38, 1-based): chr2:70,229,067, C>T on the plus strand (G>A on the coding strand, the complement: TIA1 is on the minus strand). VCF-style: chr2-70229067-C-T. GRCh37 (hg19) VCF-style: chr2-70456199-C-T.
Other names: c.302G>A, p.Arg101His (NM_001351508.2, NM_001351516.2, NM_001351518.2 and 2 more transcripts); c.191G>A, p.Arg64His (NM_001351511.1); c.-342G>A (NM_001351517.2); c.308G>A, p.Arg103His (NM_001351520.2); c.-119G>A (NM_001351524.2); c.166+197G>A (NM_001351513.1); c.172+197G>A (NM_001351512.1); c.82+197G>A (NM_001351514.2, NM_001351523.2); and 4 more; short protein forms R64H, R103H, R101H.
Identifiers: ClinVar variation 2792567 (VCV002792567.3), dbSNP rs371200431, ClinGen allele CA1697649.